The following is an entry in ClinVar:

ClinVar aggregate classification (germline): Likely benign. Review status: criteria provided, multiple submitters, no conflicts (2 of 4 stars). 3 submissions from 3 submitters: Likely benign (2). 1 of the submissions does not count toward it. Last evaluated 2025-12-18.

Conditions:
AGRN-related disorder. Also called: AGRN-related condition.
Congenital myasthenic syndrome 8. Also called: Myasthenic syndrome, congenital, 8, with pre- and postsynaptic defects; MYASTHENIC SYNDROME, CONGENITAL, DUE TO AGRIN DEFICIENCY. Identifiers: Orphanet 590, MedGen C3808739, MONDO:0014052, OMIM 615120.

Allele frequency attached by ClinVar (database versions not stated): TOPMed 0.00005; gnomAD 0.00007 and 0.00008.
gnomAD v4.1: 29 of 1,607,864 alleles (0.0018%); highest among the groups gnomAD compares: African/African-American, 0.017%; no homozygotes.

Submissions (3):

Mayo Clinic Laboratories, Mayo Clinic
Classification: Likely benign. Last evaluated: 2025-12-18. Review status: criteria provided, single submitter. Criteria: ACMG Guidelines, 2015. Collection method: clinical testing. Allele origin: germline. Observed: 1 variant allele.
Comment: BP4, BP7

Labcorp Genetics (formerly Invitae), Labcorp
Classification: Likely benign for Congenital myasthenic syndrome 8. Last evaluated: 2025-10-27. Review status: criteria provided, single submitter. Criteria: Invitae Variant Classification Sherloc (09022015). Collection method: clinical testing. Allele origin: germline.

PreventionGenetics, part of Exact Sciences
Classification: Likely benign for AGRN-related condition. Last evaluated: 2019-09-13. Review status: no assertion criteria provided. Collection method: clinical testing. Allele origin: germline. Not counted in ClinVar's aggregate classification.
Comment: This variant is classified as likely benign based on ACMG/AMP sequence variant interpretation guidelines (Richards et al. 2015 PMID: 25741868, with internal and published modifications).

NM_198576.4(AGRN):c.1281C>T (p.Pro427=)

Gene: AGRN (agrin; plus strand). Cytogenetic location: 1p36.33.
Variant type: single nucleotide variant.
Coding change: c.1281C>T on transcript NM_198576.4 (MANE Select); coding-DNA position 1281, C replaced by T.
Protein change: p.Pro427=; no amino-acid change (proline 427 retained).
Molecular consequence: synonymous variant.
Genome position (GRCh38, 1-based): chr1:1,042,059, C>T. VCF-style: chr1-1042059-C-T. GRCh37 (hg19) VCF-style: chr1-977439-C-T.
Other names: p.Pro427=; c.1281C>T, p.Pro427= (NM_001305275.2); c.966C>T, p.Pro322= (NM_001364727.2).
Identifiers: ClinVar variation 703293 (VCV000703293.12), dbSNP rs767153644, ClinGen allele CA508099.